The following is an entry in ClinVar:

ClinVar aggregate classification (germline): Uncertain significance (1 of 4 stars; one submission).

Conditions:
Inborn genetic diseases. Identifiers: MedGen C0950123, MeSH D030342.

Submission:

Ambry Genetics
Classification: Uncertain significance for Inborn genetic diseases. Last evaluated: 2025-02-24. Review status: criteria provided, single submitter. Criteria: Ambry Variant Classification Scheme 2023. Collection method: clinical testing. Allele origin: germline.
Comment: The p.D1342N variant (also known as c.4024G>A), located in coding exon 1 of the SAMD9 gene, results from a G to A substitution at nucleotide position 4024. The aspartic acid at codon 1342 is replaced by asparagine, an amino acid with highly similar properties. This amino acid position is conserved. In addition, this alteration is predicted to be tolerated by in silico analysis. Based on the available evidence, the clinical significance of this variant remains unclear.

NM_017654.4(SAMD9):c.4024G>A (p.Asp1342Asn)

Gene: SAMD9 (sterile alpha motif domain containing 9; minus strand). Cytogenetic location: 7q21.2.
Variant type: single nucleotide variant.
Coding change: c.4024G>A on transcript NM_017654.4 (MANE Select); coding-DNA position 4024, G replaced by A.
Protein change: p.Asp1342Asn; replaces aspartic acid 1342 with asparagine.
Molecular consequence: missense variant.
Genome position (GRCh38, 1-based): chr7:93,102,074, C>T on the plus strand (G>A on the coding strand, the complement: SAMD9 is on the minus strand). VCF-style: chr7-93102074-C-T. GRCh37 (hg19) VCF-style: chr7-92731387-C-T.
Other names: c.4024G>A, p.Asp1342Asn (NM_001193307.2); short protein forms D1342N.
Identifiers: ClinVar variation 3792125 (VCV003792125.1).